The following is an entry in ClinVar:

ClinVar aggregate classification (germline): Uncertain significance (1 of 4 stars; one submission).

Submission:

Labcorp Genetics (formerly Invitae), Labcorp
Classification: Uncertain significance. Last evaluated: 2025-04-11. Review status: criteria provided, single submitter. Criteria: Invitae Variant Classification Sherloc (09022015). Collection method: clinical testing. Allele origin: germline.
Comment: This sequence change replaces glutamic acid, which is acidic and polar, with aspartic acid, which is acidic and polar, at codon 2794 of the CDH23 protein (p.Glu2794Asp). This variant is not present in population databases (gnomAD no frequency). This variant has not been reported in the literature in individuals affected with CDH23-related conditions. ClinVar contains an entry for this variant (Variation ID: 1380345). Invitae Evidence Modeling of protein sequence and biophysical properties (such as structural, functional, and spatial information, amino acid conservation, physicochemical variation, residue mobility, and thermodynamic stability) has been performed for this missense variant. However, the output from this modeling did not meet the statistical confidence thresholds required to predict the impact of this variant on CDH23 protein function. In summary, the available evidence is currently insufficient to determine the role of this variant in disease. Therefore, it has been classified as a Variant of Uncertain Significance.

NM_022124.6(CDH23):c.8382G>T (p.Glu2794Asp)

Gene: CDH23 (cadherin related 23; plus strand). Cytogenetic location: 10q22.1.
Variant type: single nucleotide variant.
Coding change: c.8382G>T on transcript NM_022124.6 (MANE Select); coding-DNA position 8382, G replaced by T.
Protein change: p.Glu2794Asp; replaces glutamic acid 2794 with aspartic acid.
Molecular consequence: missense variant.
Genome position (GRCh38, 1-based): chr10:71,807,589, G>T. VCF-style: chr10-71807589-G-T. GRCh37 (hg19) VCF-style: chr10-73567346-G-T.
Other names: c.1662G>T, p.Glu554Asp (NM_001171933.1, NM_001171934.1); short protein forms E2794D, E554D.
Identifiers: ClinVar variation 1380345 (VCV001380345.8), dbSNP rs2132988954, ClinGen allele CA377131434.